The following is an entry in ClinVar:

ClinVar aggregate classification (germline): Likely benign (1 of 4 stars; one submission).

Allele frequency attached by ClinVar (database versions not stated): gnomAD exomes below 0.00001.
gnomAD v4.1: 1 of 1,612,602 alleles (0.000062%); highest among the groups gnomAD compares: Non-Finnish European, 0.000085%; no homozygotes.

Submission:

CeGaT Center for Human Genetics Tuebingen
Classification: Likely benign. Last evaluated: 2023-04-01. Review status: criteria provided, single submitter. Criteria: CeGaT Center For Human Genetics Tuebingen Variant Classification Criteria Version 2. Collection method: clinical testing. Allele origin: germline. Affected: yes. Observed: 1 variant allele.
Comment: KDM6B: PM2:Supporting, BP4, BP7

NM_001348716.2(KDM6B):c.255C>G (p.Pro85=)

Gene: KDM6B (lysine demethylase 6B; plus strand). Cytogenetic location: 17p13.1.
Variant type: single nucleotide variant.
Coding change: c.255C>G on transcript NM_001348716.2 (MANE Select); coding-DNA position 255, C replaced by G.
Protein change: p.Pro85=; no amino-acid change (proline 85 retained).
Molecular consequence: synonymous variant.
Genome position (GRCh38, 1-based): chr17:7,846,096, C>G. VCF-style: chr17-7846096-C-G. GRCh37 (hg19) VCF-style: chr17-7749414-C-G.
Other names: c.255C>G, p.Pro85= (NM_001080424.2).
Identifiers: ClinVar variation 2570974 (VCV002570974.27), dbSNP rs2544520089, ClinGen allele CA497946042.